The following is an entry in ClinVar:

ClinVar aggregate classification (germline): Uncertain significance. Review status: criteria provided, multiple submitters, no conflicts (2 of 4 stars). 3 submissions from 3 submitters: Uncertain significance (3). Last evaluated 2025-12-15.

Conditions:
Inborn genetic diseases. Identifiers: MedGen C0950123, MeSH D030342.

Allele frequency attached by ClinVar (database versions not stated): gnomAD 0.00005; TOPMed 0.00005; gnomAD exomes 0.00007 and 0.00009.
gnomAD v4.1: 105 of 1,531,590 alleles (0.0069%); highest among the groups gnomAD compares: Admixed American, 0.016%; no homozygotes.

Submissions (3):

Ambry Genetics
Classification: Uncertain significance for Inborn genetic diseases. Last evaluated: 2025-12-15. Review status: criteria provided, single submitter. Criteria: Ambry Variant Classification Scheme 2023. Collection method: clinical testing. Allele origin: germline.

Blueprint Genetics
Classification: Uncertain significance. Last evaluated: 2023-11-27. Review status: criteria provided, single submitter. Criteria: ACMG Guidelines, 2015. Collection method: clinical testing. Allele origin: germline.

Labcorp Genetics (formerly Invitae), Labcorp
Classification: Uncertain significance. Last evaluated: 2022-08-31. Review status: criteria provided, single submitter. Criteria: Invitae Variant Classification Sherloc (09022015). Collection method: clinical testing. Allele origin: germline.
Comment: This sequence change replaces alanine, which is neutral and non-polar, with valine, which is neutral and non-polar, at codon 10 of the CDHR1 protein (p.Ala10Val). This variant is present in population databases (rs750454492, gnomAD 0.02%). This variant has not been reported in the literature in individuals affected with CDHR1-related conditions. ClinVar contains an entry for this variant (Variation ID: 1465268). Advanced modeling of protein sequence and biophysical properties (such as structural, functional, and spatial information, amino acid conservation, physicochemical variation, residue mobility, and thermodynamic stability) performed at Invitae indicates that this missense variant is not expected to disrupt CDHR1 protein function. In summary, the available evidence is currently insufficient to determine the role of this variant in disease. Therefore, it has been classified as a Variant of Uncertain Significance.

NM_033100.4(CDHR1):c.29C>T (p.Ala10Val)

Gene: CDHR1 (cadherin related family member 1; plus strand). Cytogenetic location: 10q23.1.
Variant type: single nucleotide variant.
Coding change: c.29C>T on transcript NM_033100.4 (MANE Select); coding-DNA position 29, C replaced by T.
Protein change: p.Ala10Val; replaces alanine 10 with valine.
Molecular consequence: missense variant.
Genome position (GRCh38, 1-based): chr10:84,194,789, C>T. VCF-style: chr10-84194789-C-T. GRCh37 (hg19) VCF-style: chr10-85954545-C-T.
Other names: c.29C>T (NM_033100.2); c.29C>T, p.Ala10Val (NM_001171971.3); short protein forms A10V.
Identifiers: ClinVar variation 1465268 (VCV001465268.5), dbSNP rs750454492, ClinGen allele CA210376396.